The following is an entry in ClinVar:

NM_005862.3(STAG1):c.1159T>C (p.Tyr387His)

Gene: STAG1 (STAG1 cohesin complex component; minus strand). Cytogenetic location: 3q22.3.
Variant type: single nucleotide variant.
Coding change: c.1159T>C on transcript NM_005862.3 (MANE Select); coding-DNA position 1159, T replaced by C.
Protein change: p.Tyr387His; replaces tyrosine 387 with histidine.
Molecular consequence: missense variant.
Genome position (GRCh38, 1-based): chr3:136,472,459, A>G on the plus strand (T>C on the coding strand, the complement: STAG1 is on the minus strand). VCF-style: chr3-136472459-A-G. GRCh37 (hg19) VCF-style: chr3-136191301-A-G.
Other names: short protein forms Y387H.
Identifiers: ClinVar variation 3235773 (VCV003235773.1), dbSNP rs1211343285, ClinGen allele CA354651554.

ClinVar aggregate classification (germline): Uncertain significance (1 of 4 stars; one submission).

Submission:

Greenwood Genetic Center Diagnostic Laboratories, Greenwood Genetic Center
Classification: Uncertain significance. Last evaluated: 2024-03-01. Review status: criteria provided, single submitter. Criteria: ACMG Guidelines, 2015. Collection method: clinical testing. Allele origin: germline. Affected: yes.
Comment: PM2